The following is an entry in ClinVar:

NM_000937.5(POLR2A):c.5429G>A (p.Arg1810Gln)

Gene: POLR2A (RNA polymerase II subunit A; plus strand). Cytogenetic location: 17p13.1.
Variant type: single nucleotide variant.
Coding change: c.5429G>A on transcript NM_000937.5 (MANE Select); coding-DNA position 5429, G replaced by A.
Protein change: p.Arg1810Gln; replaces arginine 1810 with glutamine.
Molecular consequence: missense variant.
Genome position (GRCh38, 1-based): chr17:7,513,693, G>A. VCF-style: chr17-7513693-G-A. GRCh37 (hg19) VCF-style: chr17-7417012-G-A.
Other names: short protein forms R1810Q.
Identifiers: ClinVar variation 1690616 (VCV001690616.2), dbSNP rs953325975, ClinGen allele CA287431841.

ClinVar aggregate classification (germline): Uncertain significance (1 of 4 stars; one submission).

Allele frequency attached by ClinVar (database versions not stated): TOPMed below 0.00001; gnomAD 0.00001; gnomAD exomes 0.00001.

Submission:

Laboratorio de Genetica e Diagnostico Molecular, Hospital Israelita Albert Einstein
Classification: Uncertain significance. Last evaluated: 2021-03-25. Review status: criteria provided, single submitter. Criteria: ACMG Guidelines, 2015. Collection method: clinical testing. Allele origin: germline. Affected: yes.
Comment: ACMG classification criteria: PM2, PP2, BP4